The following is an entry in ClinVar:

NM_001377304.1(GFI1B):c.100G>A (p.Val34Met)

Gene: GFI1B (growth factor independent 1B transcriptional repressor; plus strand). Cytogenetic location: 9q34.13.
Variant type: single nucleotide variant.
Coding change: c.100G>A on transcript NM_001377304.1 (MANE Select); coding-DNA position 100, G replaced by A.
Protein change: p.Val34Met; replaces valine 34 with methionine.
Molecular consequence: missense variant.
Genome position (GRCh38, 1-based): chr9:132,986,778, G>A. VCF-style: chr9-132986778-G-A. GRCh37 (hg19) VCF-style: chr9-135862165-G-A.
Other names: NC_000009.11:g.135862165G>A; p.Val34Met; c.100G>A, p.Val34Met (NM_001135031.2, NM_001371908.1, NM_001377305.1 and 1 more transcripts); c.100G>A (NM_004188.7); short protein forms V34M.
Identifiers: ClinVar variation 786580 (VCV000786580.8), dbSNP rs114955344, ClinGen allele CA5301814.

ClinVar aggregate classification (germline): Benign/Likely benign. Review status: criteria provided, multiple submitters, no conflicts (2 of 4 stars). 4 submissions from 4 submitters: Benign (3); Likely benign (1). Last evaluated 2024-11-25.

Allele frequency attached by ClinVar (database versions not stated): gnomAD exomes 0.00147; ExAC 0.00228; ESP Exome Variant Server 0.00515; gnomAD 0.00539 and 0.00577; TOPMed 0.00595; 1000 Genomes Project 0.00659; 1000 Genomes Project 30x 0.00765.
gnomAD v4.1: 1,585 of 1,603,130 alleles (0.099%); highest among the groups gnomAD compares: African/African-American, 1.9%; 19 homozygotes.

Submissions (5):

Blueprint Genetics
Classification: Likely benign. Last evaluated: 2024-11-25. Review status: criteria provided, single submitter. Criteria: ACMG Guidelines, 2015. Collection method: clinical testing. Allele origin: germline.

Mayo Clinic Laboratories, Mayo Clinic
Classification: Benign. Last evaluated: 2024-05-15. Review status: criteria provided, single submitter. Criteria: ACMG Guidelines, 2015. Collection method: clinical testing. Allele origin: germline. Observed: 4 variant alleles.
Comment: BS1, BS2, BP4

Labcorp Genetics (formerly Invitae), Labcorp
Classification: Benign. Last evaluated: 2019-12-31. Review status: criteria provided, single submitter. Criteria: Invitae Variant Classification Sherloc (09022015). Collection method: clinical testing. Allele origin: germline.

Breakthrough Genomics
Classification: Benign. Review status: criteria provided, single submitter. Criteria: ACMG Guidelines, 2015. Collection method: not provided. Allele origin: germline. Inheritance: Autosomal dominant inheritance. Affected: yes.

Dr. Peter K. Rogan Lab, Western University
No classification provided (evidence only). Condition: Gastric cancer. Review status: no classification provided. Collection method: in vitro. Allele origin: not applicable. Functional consequence: retained intron. Not counted in ClinVar's aggregate classification.